The following is an entry in ClinVar:

NM_000098.3(CPT2):c.599C>G (p.Ser200Cys)

Gene: CPT2 (carnitine palmitoyltransferase 2; plus strand). Cytogenetic location: 1p32.3.
Variant type: single nucleotide variant.
Coding change: c.599C>G on transcript NM_000098.3 (MANE Select); coding-DNA position 599, C replaced by G.
Protein change: p.Ser200Cys; replaces serine 200 with cysteine.
Molecular consequence: missense variant.
Genome position (GRCh38, 1-based): chr1:53,210,273, C>G. VCF-style: chr1-53210273-C-G. GRCh37 (hg19) VCF-style: chr1-53675945-C-G.
Other names: c.599C>G, p.Ser200Cys (NM_001330589.2); short protein forms S200C.
Identifiers: ClinVar variation 1431832 (VCV001431832.8), dbSNP rs2100272178, ClinGen allele CA340392820.

ClinVar aggregate classification (germline): Uncertain significance (1 of 4 stars; one submission).

Conditions:
Carnitine palmitoyltransferase II deficiency. Also called: Carnitine Palmitoyltransferase 2 Deficiency. Identifiers: Orphanet 157, MedGen C0342790, MONDO:0015515.

Submission:

Labcorp Genetics (formerly Invitae), Labcorp
Classification: Uncertain significance for Carnitine palmitoyltransferase II deficiency. Last evaluated: 2021-03-10. Review status: criteria provided, single submitter. Criteria: Invitae Variant Classification Sherloc (09022015). Collection method: clinical testing. Allele origin: germline.
Comment: Advanced modeling of protein sequence and biophysical properties (such as structural, functional, and spatial information, amino acid conservation, physicochemical variation, residue mobility, and thermodynamic stability) performed at Invitae indicates that this missense variant is not expected to disrupt CPT2 protein function. In summary, the available evidence is currently insufficient to determine the role of this variant in disease. Therefore, it has been classified as a Variant of Uncertain Significance. This variant has not been reported in the literature in individuals with CPT2-related conditions. This sequence change replaces serine with cysteine at codon 200 of the CPT2 protein (p.Ser200Cys). The serine residue is highly conserved and there is a moderate physicochemical difference between serine and cysteine. This variant is not present in population databases (ExAC no frequency).